The following is an entry in ClinVar:

NM_198428.3(BBS9):c.145C>G (p.Leu49Val)

Gene: BBS9 (Bardet-Biedl syndrome 9; plus strand). Cytogenetic location: 7p14.3.
Variant type: single nucleotide variant.
Coding change: c.145C>G on transcript NM_198428.3 (MANE Select); coding-DNA position 145, C replaced by G.
Protein change: p.Leu49Val; replaces leucine 49 with valine.
Molecular consequence: missense variant. On other transcripts: 5 prime UTR variant (4), non-coding transcript variant (3), intron variant (2).
Genome position (GRCh38, 1-based): chr7:33,152,733, C>G. VCF-style: chr7-33152733-C-G. GRCh37 (hg19) VCF-style: chr7-33192345-C-G.
Other names: c.145C>G, p.Leu49Val (NM_001033604.2, NM_001033605.2, NM_001348036.1 and 5 more transcripts); c.-157C>G (NM_001348037.3, NM_001348045.3); c.-133C>G (NM_001348038.3, NM_001348039.3); c.10C>G, p.Leu4Val (NM_001348042.3); c.-39+22692C>G (NM_001348046.3, NM_001348044.3); short protein forms L4V, L49V.
Identifiers: ClinVar variation 941074 (VCV000941074.7), dbSNP rs777409972, ClinGen allele CA4213888.

ClinVar aggregate classification (germline): Uncertain significance (1 of 4 stars; one submission).

Conditions:
Bardet-Biedl syndrome (BBS). Identifiers: Orphanet 110, MedGen C0752166, MONDO:0015229.

Allele frequency attached by ClinVar (database versions not stated): gnomAD exomes below 0.00001 and 0.00002; ExAC 0.00001.
gnomAD v4.1: 4 of 1,612,236 alleles (0.00025%); highest among the groups gnomAD compares: Admixed American, 0.0067%; no homozygotes.

Submission:

Labcorp Genetics (formerly Invitae), Labcorp
Classification: Uncertain significance for Bardet-Biedl syndrome. Last evaluated: 2022-05-31. Review status: criteria provided, single submitter. Criteria: Invitae Variant Classification Sherloc (09022015). Collection method: clinical testing. Allele origin: germline.
Comment: This sequence change replaces leucine, which is neutral and non-polar, with valine, which is neutral and non-polar, at codon 49 of the BBS9 protein (p.Leu49Val). This variant is present in population databases (rs777409972, gnomAD 0.01%). This variant has not been reported in the literature in individuals affected with BBS9-related conditions. ClinVar contains an entry for this variant (Variation ID: 941074). Algorithms developed to predict the effect of missense changes on protein structure and function (SIFT, PolyPhen-2, Align-GVGD) all suggest that this variant is likely to be disruptive. Algorithms developed to predict the effect of sequence changes on RNA splicing suggest that this variant may create or strengthen a splice site. In summary, the available evidence is currently insufficient to determine the role of this variant in disease. Therefore, it has been classified as a Variant of Uncertain Significance.